The following is an entry in ClinVar:

NM_001112741.2(KCNC1):c.1537G>A (p.Ala513Thr)

Gene: KCNC1 (potassium voltage-gated channel subfamily C member 1; plus strand). Cytogenetic location: 11p15.1.
Variant type: single nucleotide variant.
Coding change: c.1537G>A on transcript NM_001112741.2 (MANE Select); coding-DNA position 1537, G replaced by A.
Protein change: p.Ala513Thr; replaces alanine 513 with threonine.
Molecular consequence: missense variant.
Genome position (GRCh38, 1-based): chr11:17,779,488, G>A. VCF-style: chr11-17779488-G-A. GRCh37 (hg19) VCF-style: chr11-17801035-G-A.
Other names: short protein forms A513T.
Identifiers: ClinVar variation 1009942 (VCV001009942.9), dbSNP rs769979889, ClinGen allele CA5906840.
Genomic context (GRCh38, chr11:17,779,488, plus strand): 5'-TCAATAGCTTCTGCTTATATGTTTGAAGATTCCAAACTGAATGGGGAGGTGGCGAAGGCC[G>A]CGCTGGCGAACGAAGACTGCCCCCACATAGACCAGGCCCTCACTCCCGATGAGGGCCTGC-3'
Protein context (NP_001106212.1, residues 503-523): SKLNGEVAKA[Ala513Thr]LANEDCPHID

ClinVar aggregate classification (germline): Uncertain significance (1 of 4 stars; one submission).

Conditions:
Progressive myoclonic epilepsy type 7. Identifiers: Orphanet 435438, MedGen C4015420, MONDO:0014521, OMIM 616187.

Allele frequency attached by ClinVar (database versions not stated): gnomAD exomes 0.00001 and 0.00002; TOPMed 0.00001; ExAC 0.00005.
gnomAD v4.1: 11 of 1,550,132 alleles (0.00071%); highest among the groups gnomAD compares: Admixed American, 0.004%; no homozygotes.

Submission:

Labcorp Genetics (formerly Invitae), Labcorp
Classification: Uncertain significance for Progressive myoclonic epilepsy type 7. Last evaluated: 2025-10-02. Review status: criteria provided, single submitter. Criteria: Invitae Variant Classification Sherloc (09022015). Collection method: clinical testing. Allele origin: germline.
Comment: This sequence change replaces alanine, which is neutral and non-polar, with threonine, which is neutral and polar, at codon 513 of the KCNC1 protein (p.Ala513Thr). This variant is present in population databases (rs769979889, gnomAD 0.01%). This variant has not been reported in the literature in individuals affected with KCNC1-related conditions. ClinVar contains an entry for this variant (Variation ID: 1009942). An algorithm developed to predict the effect of missense changes on protein structure and function (PolyPhen-2) suggests that this variant is likely to be disruptive. This variant disrupts the p.Ala513 amino acid residue in KCNC1. Other variant(s) that disrupt this residue have been determined to be pathogenic (PMID: 31353855, 34232791). This suggests that this residue is clinically significant, and that variants that disrupt this residue are likely to be disease-causing. In summary, the available evidence is currently insufficient to determine the role of this variant in disease. Therefore, it has been classified as a Variant of Uncertain Significance.

Literature cited by the submitters: PubMed 31353855; PubMed 34232791.